The following is an entry in ClinVar:

ClinVar aggregate classification (germline): Uncertain significance (1 of 4 stars; one submission).

gnomAD v4.1: 14 of 1,551,698 alleles (0.0009%); highest among the groups gnomAD compares: African/African-American, 0.018%; no homozygotes.

Submission:

GeneDx
Classification: Uncertain significance. Last evaluated: 2026-03-13. Review status: criteria provided, single submitter. Criteria: GeneDx Variant Classification Process June 2021. Collection method: clinical testing. Allele origin: germline.
Comment: In silico analysis suggests that this variant does not alter splicing; Has not been previously published as pathogenic or benign to our knowledge

NM_001145308.5(LRTOMT):c.408G>A (p.Leu136=)

Genes: ANAPC15 (anaphase promoting complex subunit 15; minus strand), LRTOMT (leucine rich transmembrane and O-methyltransferase domain containing; plus strand), TOMT (transmembrane O-methyltransferase; plus strand). Cytogenetic location: 11q13.4.
Variant type: single nucleotide variant.
Coding change: c.408G>A on transcript NM_001145308.5; coding-DNA position 408, G replaced by A.
Protein change: p.Leu136=; no amino-acid change (leucine 136 retained).
Molecular consequence: synonymous variant. On other transcripts: 3 prime UTR variant (3), non-coding transcript variant (1), intron variant (7).
Genome position (GRCh38, 1-based): chr11:72,107,972, G>A. VCF-style: chr11-72107972-G-A. GRCh37 (hg19) VCF-style: chr11-71819018-G-A.
Other names: c.309G>A, p.Leu103= (NM_001393500.2); c.408G>A, p.Leu136= (NM_001145309.4); c.288G>A, p.Leu96= (NM_001145310.4); c.*847C>T (NM_001393443.1, NM_001393444.1, NM_001393445.1); c.64-367C>T (NM_001393459.1); c.319-367C>T (NM_001393430.1, NM_001393429.1, NM_001393428.1 and 3 more transcripts).
Identifiers: ClinVar variation 5009010 (VCV005009010.1).